The following is an entry in ClinVar:

ClinVar aggregate classification (germline): Likely benign. Review status: criteria provided, multiple submitters, no conflicts (2 of 4 stars). 3 submissions from 3 submitters: Likely benign (3). Last evaluated 2025-10-10.

Conditions:
SKI-related disorder. Also called: SKI-related condition.
Shprintzen-Goldberg syndrome (SGS). Also called: Marfanoid disorder with craniosynostosis type 1; Marfanoid craniosynostosis syndrome; Shprintzen-Goldberg marfanoid syndrome; SHPRINTZEN-GOLDBERG CRANIOSYNOSTOSIS SYNDROME; CRANIOSYNOSTOSIS WITH ARACHNODACTYLY AND ABDOMINAL HERNIAS. Identifiers: Orphanet 2462, MedGen C1321551, MONDO:0008426, OMIM 182212.

Allele frequency attached by ClinVar (database versions not stated): gnomAD 0.00001 and 0.00002; gnomAD exomes 0.00003; TOPMed 0.00004; ExAC 0.00007; 1000 Genomes Project 30x 0.00016; 1000 Genomes Project 0.00020.
gnomAD v4.1: 26 of 1,545,322 alleles (0.0017%); highest among the groups gnomAD compares: East Asian, 0.034%; 1 homozygote.

Submissions (3):

Labcorp Genetics (formerly Invitae), Labcorp
Classification: Likely benign for Shprintzen-Goldberg syndrome. Last evaluated: 2025-10-10. Review status: criteria provided, single submitter. Criteria: Invitae Variant Classification Sherloc (09022015). Collection method: clinical testing. Allele origin: germline.

Women's Health and Genetics/Laboratory Corporation of America, LabCorp
Classification: Likely benign. Last evaluated: 2025-04-29. Review status: criteria provided, single submitter. Criteria: LabCorp Variant Classification Summary - May 2015. Collection method: clinical testing. Allele origin: germline.

PreventionGenetics, part of Exact Sciences
Classification: Likely benign for SKI-related condition. Last evaluated: 2024-11-21. Review status: criteria provided, single submitter. Criteria: ACMG Guidelines, 2015. Collection method: clinical testing. Allele origin: germline.
Comment: This variant is classified as likely benign based on ACMG/AMP sequence variant interpretation guidelines (Richards et al. 2015 PMID: 25741868, with internal and published modifications).

NM_003036.4(SKI):c.1767+7G>A

Gene: SKI (SKI proto-oncogene; plus strand). Cytogenetic location: 1p36.32.
Variant type: single nucleotide variant.
Coding change: c.1767+7G>A on transcript NM_003036.4 (MANE Select); 7 bases into the intron after coding-DNA position 1767, G replaced by A.
Molecular consequence: intron variant.
Genome position (GRCh38, 1-based): chr1:2,304,592, G>A. VCF-style: chr1-2304592-G-A. GRCh37 (hg19) VCF-style: chr1-2236031-G-A.
Other names: c.1767+7G>A (NM_003036.3).
Identifiers: ClinVar variation 1586310 (VCV001586310.10), dbSNP rs199962561, ClinGen allele CA536779.